The following is an entry in ClinVar:

NM_001401501.2(MUC16):c.38629+6G>C

Gene: MUC16 (mucin 16, cell surface associated; minus strand). Cytogenetic location: 19p13.2.
Variant type: single nucleotide variant.
Coding change: c.38629+6G>C on transcript NM_001401501.2 (MANE Select); 6 bases into the intron after coding-DNA position 38629, G replaced by C.
Molecular consequence: intron variant.
Genome position (GRCh38, 1-based): chr19:8,903,850, C>G on the plus strand (G>C on the coding strand, the complement: MUC16 is on the minus strand). VCF-style: chr19-8903850-C-G. GRCh37 (hg19) VCF-style: chr19-9014526-C-G.
Other names: c.39055+6G>C (NM_001414686.1); c.38509+6G>C (NM_001414687.1); c.38443+6G>C (NM_024690.2).
Identifiers: ClinVar variation 3052310 (VCV003052310.2), dbSNP rs145468327, ClinGen allele CA9164605.

ClinVar aggregate classification (germline): Likely benign (0 of 4 stars; one submission).

Conditions:
MUC16-related disorder. Also called: MUC16-related condition.

Allele frequency attached by ClinVar (database versions not stated): 1000 Genomes Project 30x 0.00031; 1000 Genomes Project 0.00040; ExAC 0.00064; TOPMed 0.00065; ESP Exome Variant Server 0.00066; gnomAD 0.00082.

Submission:

PreventionGenetics, part of Exact Sciences
Classification: Likely benign for MUC16-related condition. Last evaluated: 2019-10-25. Review status: no assertion criteria provided. Collection method: clinical testing. Allele origin: germline.
Comment: This variant is classified as likely benign based on ACMG/AMP sequence variant interpretation guidelines (Richards et al. 2015 PMID: 25741868, with internal and published modifications).